The following is an entry in ClinVar:

ClinVar aggregate classification (germline): Uncertain significance (1 of 4 stars; one submission).

Conditions:
Combined oxidative phosphorylation defect type 14. Also called: Combined oxidative phosphorylation deficiency 14. Identifiers: Orphanet 319519, MedGen C4755312, MONDO:0013986, OMIM 614946.

Submission:

Labcorp Genetics (formerly Invitae), Labcorp
Classification: Uncertain significance for Combined oxidative phosphorylation defect type 14. Last evaluated: 2025-03-20. Review status: criteria provided, single submitter. Criteria: Invitae Variant Classification Sherloc (09022015). Collection method: clinical testing. Allele origin: germline.
Comment: This sequence change replaces histidine, which is basic and polar, with glutamine, which is neutral and polar, at codon 135 of the FARS2 protein (p.His135Gln). This variant is not present in population databases (gnomAD no frequency). This variant has not been reported in the literature in individuals affected with FARS2-related conditions. Invitae Evidence Modeling of protein sequence and biophysical properties (such as structural, functional, and spatial information, amino acid conservation, physicochemical variation, residue mobility, and thermodynamic stability) indicates that this missense variant is expected to disrupt FARS2 protein function with a positive predictive value of 95%. In summary, the available evidence is currently insufficient to determine the role of this variant in disease. Therefore, it has been classified as a Variant of Uncertain Significance.

NM_006567.5(FARS2):c.405C>A (p.His135Gln)

Genes: FARS2 (phenylalanyl-tRNA synthetase 2, mitochondrial; plus strand), LOC126859565 (CDK7 strongly-dependent group 2 enhancer GRCh37_chr6:5368745-5369944; plus strand). Cytogenetic location: 6p25.1.
Variant type: single nucleotide variant.
Coding change: c.405C>A on transcript NM_006567.5 (MANE Select); coding-DNA position 405, C replaced by A.
Protein change: p.His135Gln; replaces histidine 135 with glutamine.
Molecular consequence: missense variant. On other transcripts: intron variant (2).
Genome position (GRCh38, 1-based): chr6:5,368,975, C>A. VCF-style: chr6-5368975-C-A. GRCh37 (hg19) VCF-style: chr6-5369208-C-A.
Other names: c.405C>A, p.His135Gln (NM_001318872.2, NM_001374875.1, NM_001374876.1 and 5 more transcripts); c.-340-27658C>A (NM_001375260.1); c.-84-35567C>A (NM_001375259.1); short protein forms H135Q.
Identifiers: ClinVar variation 4709956 (VCV004709956.1).